The following is an entry in ClinVar:

NM_015474.4(SAMHD1):c.1111C>T (p.Arg371Cys)

Gene: SAMHD1 (SAM and HD domain containing deoxynucleoside triphosphate triphosphohydrolase 1; minus strand). Cytogenetic location: 20q11.23.
Variant type: single nucleotide variant.
Coding change: c.1111C>T on transcript NM_015474.4 (MANE Select); coding-DNA position 1111, C replaced by T.
Protein change: p.Arg371Cys; replaces arginine 371 with cysteine.
Molecular consequence: missense variant.
Genome position (GRCh38, 1-based): chr20:36,912,504, G>A on the plus strand (C>T on the coding strand, the complement: SAMHD1 is on the minus strand). VCF-style: chr20-36912504-G-A. GRCh37 (hg19) VCF-style: chr20-35540907-G-A.
Other names: c.1111C>T, p.Arg371Cys (NM_001363729.2, NM_001363733.2); short protein forms R371C.
Identifiers: ClinVar variation 1425852 (VCV001425852.6), dbSNP rs774991764, ClinGen allele CA9844581.
Genomic context (GRCh38, chr20:36,912,504, plus strand): 5'-ACAATCAAGTTTCTTACATTGTATCAATAATGTTGCCAACTTTGTGTTGATAAGCTCTAC[G>A]GTGTAAAGAGTTGCGAGTGTGGAACATGTCATACAGATTTCCAACTTCCTGCAGGAAAAC-3'
Protein context (NP_056289.2, residues 361-381): DMFHTRNSLH[Arg371Cys]RAYQHKVGNI

ClinVar aggregate classification (germline): Uncertain significance. Review status: criteria provided, multiple submitters, no conflicts (2 of 4 stars). 2 submissions from 2 submitters: Uncertain significance (2). Last evaluated 2025-09-22.

Conditions:
Aicardi-Goutieres syndrome 5. Identifiers: Orphanet 51, MedGen C2749659, MONDO:0013059, OMIM 612952.

Submissions (2):

Women's Health and Genetics/Laboratory Corporation of America, LabCorp
Classification: Uncertain significance. Last evaluated: 2025-09-22. Review status: criteria provided, single submitter. Criteria: LabCorp Variant Classification Summary - May 2015. Collection method: clinical testing. Allele origin: germline.
Comment: Variant summary: SAMHD1 c.1111C>T (p.Arg371Cys) results in a non-conservative amino acid change in the encoded protein sequence. Algorithms developed to predict the effect of missense changes on protein structure and function all suggest that this variant is likely to be disruptive. The variant allele was found at a frequency of 8e-06 in 251322 control chromosomes. The available data on variant occurrences in the general population are insufficient to allow any conclusion about variant significance. To our knowledge, no occurrence of c.1111C>T in individuals affected with SAMHD1-related conditions and no experimental evidence demonstrating its impact on protein function have been reported. ClinVar contains an entry for this variant (Variation ID: 1425852). Based on the evidence outlined above, the variant was classified as uncertain significance.

Labcorp Genetics (formerly Invitae), Labcorp
Classification: Uncertain significance for Aicardi-Goutieres syndrome 5. Last evaluated: 2021-08-31. Review status: criteria provided, single submitter. Criteria: Invitae Variant Classification Sherloc (09022015). Collection method: clinical testing. Allele origin: germline.
Comment: This sequence change replaces arginine with cysteine at codon 371 of the SAMHD1 protein (p.Arg371Cys). The arginine residue is moderately conserved and there is a large physicochemical difference between arginine and cysteine. This variant is present in population databases (rs774991764, ExAC 0.003%). This variant has not been reported in the literature in individuals affected with SAMHD1-related conditions. Algorithms developed to predict the effect of missense changes on protein structure and function are either unavailable or do not agree on the potential impact of this missense change (SIFT: "Deleterious"; PolyPhen-2: "Benign"; Align-GVGD: "Class C0"). In summary, the available evidence is currently insufficient to determine the role of this variant in disease. Therefore, it has been classified as a Variant of Uncertain Significance.